The following is an entry in ClinVar:

ClinVar aggregate classification (germline): Uncertain significance (1 of 4 stars; one submission).

Conditions:
Familial adenomatous polyposis 1 (FAP1). Also called: FAMILIAL ADENOMATOUS POLYPOSIS 1, ATTENUATED; POLYPOSIS, ADENOMATOUS INTESTINAL. Identifiers: MedGen C2713442, MONDO:0021056, OMIM 175100. Disease mechanism: loss of function.

Submission:

Labcorp Genetics (formerly Invitae), Labcorp
Classification: Uncertain significance for Familial adenomatous polyposis 1. Last evaluated: 2024-04-07. Review status: criteria provided, single submitter. Criteria: Invitae Variant Classification Sherloc (09022015). Collection method: clinical testing. Allele origin: germline.
Comment: This sequence change replaces serine, which is neutral and polar, with threonine, which is neutral and polar, at codon 2262 of the APC protein (p.Ser2262Thr). This variant is not present in population databases (gnomAD no frequency). This variant has not been reported in the literature in individuals affected with APC-related conditions. ClinVar contains an entry for this variant (Variation ID: 2015505). Advanced modeling of protein sequence and biophysical properties (such as structural, functional, and spatial information, amino acid conservation, physicochemical variation, residue mobility, and thermodynamic stability) performed at Invitae indicates that this missense variant is not expected to disrupt APC protein function with a negative predictive value of 95%. In summary, the available evidence is currently insufficient to determine the role of this variant in disease. Therefore, it has been classified as a Variant of Uncertain Significance.

NM_000038.6(APC):c.6785G>C (p.Ser2262Thr)

Gene: APC (APC regulator of Wnt signaling pathway; plus strand). Cytogenetic location: 5q22.2.
Variant type: single nucleotide variant.
Coding change: c.6785G>C on transcript NM_000038.6 (MANE Select); coding-DNA position 6785, G replaced by C.
Protein change: p.Ser2262Thr; replaces serine 2262 with threonine.
Molecular consequence: missense variant.
Genome position (GRCh38, 1-based): chr5:112,842,379, G>C. VCF-style: chr5-112842379-G-C. GRCh37 (hg19) VCF-style: chr5-112178076-G-C.
Other names: c.6785G>C, p.Ser2262Thr (NM_001127510.3, NM_001354895.2, NM_001407450.1); c.6731G>C, p.Ser2244Thr (NM_001127511.3); c.6839G>C, p.Ser2280Thr (NM_001354896.2, NM_001407447.1, NM_001407448.1 and 1 more transcripts); c.6815G>C, p.Ser2272Thr (NM_001354897.2); c.6710G>C, p.Ser2237Thr (NM_001354898.2); c.6701G>C, p.Ser2234Thr (NM_001354899.2); c.6662G>C, p.Ser2221Thr (NM_001354900.2); c.6608G>C, p.Ser2203Thr (NM_001354901.2, NM_001407453.1); and 11 more; short protein forms S2133T, S2203T, S2221T, S2244T, S2280T, S2102T, S2171T, S2179T.
Identifiers: ClinVar variation 2015505 (VCV002015505.4), dbSNP rs878853465, ClinGen allele CA16036150.